The following is an entry in ClinVar:

NM_000038.6(APC):c.7473G>T (p.Met2491Ile)

Gene: APC (APC regulator of Wnt signaling pathway; plus strand). Cytogenetic location: 5q22.2.
Variant type: single nucleotide variant.
Coding change: c.7473G>T on transcript NM_000038.6 (MANE Select); coding-DNA position 7473, G replaced by T.
Protein change: p.Met2491Ile; replaces methionine 2491 with isoleucine.
Molecular consequence: missense variant. On other transcripts: non-coding transcript variant (2).
Genome position (GRCh38, 1-based): chr5:112,843,067, G>T. VCF-style: chr5-112843067-G-T. GRCh37 (hg19) VCF-style: chr5-112178764-G-T.
Other names: c.7473G>T, p.Met2491Ile (NM_001127510.3, NM_001354895.2, NM_001407450.1); c.7419G>T, p.Met2473Ile (NM_001127511.3); c.7527G>T, p.Met2509Ile (NM_001354896.2, NM_001407447.1, NM_001407448.1 and 1 more transcripts); c.7503G>T, p.Met2501Ile (NM_001354897.2); c.7398G>T, p.Met2466Ile (NM_001354898.2); c.7389G>T, p.Met2463Ile (NM_001354899.2); c.7350G>T, p.Met2450Ile (NM_001354900.2); c.7296G>T, p.Met2432Ile (NM_001354901.2, NM_001407453.1); and 11 more; short protein forms M2390I, M2408I, M2331I, M2362I, M2365I, M2481I, M2491I, M2501I.
Identifiers: ClinVar variation 3635516 (VCV003635516.2).
Genomic context (GRCh38, chr5:112,843,067, plus strand): 5'-AGCTTCTCCCACTAGGTCCCAGGCACAAACTCCAGTTTTAAGTCCTTCCCTTCCTGATAT[G>T]TCTCTATCCACACATTCGTCTGTTCAGGCTGGTGGATGGCGAAAACTCCCACCTAATCTC-3'
Protein context (NP_000029.2, residues 2481-2501): TPVLSPSLPD[Met2491Ile]SLSTHSSVQA

ClinVar aggregate classification (germline): Uncertain significance (1 of 4 stars; one submission).

Conditions:
Familial adenomatous polyposis 1 (FAP1). Also called: FAMILIAL ADENOMATOUS POLYPOSIS 1, ATTENUATED; POLYPOSIS, ADENOMATOUS INTESTINAL. Identifiers: MedGen C2713442, MONDO:0021056, OMIM 175100. Disease mechanism: loss of function.

Submission:

Labcorp Genetics (formerly Invitae), Labcorp
Classification: Uncertain significance for Familial adenomatous polyposis 1. Last evaluated: 2024-09-02. Review status: criteria provided, single submitter. Criteria: Invitae Variant Classification Sherloc (09022015). Collection method: clinical testing. Allele origin: germline.
Comment: This sequence change replaces methionine, which is neutral and non-polar, with isoleucine, which is neutral and non-polar, at codon 2491 of the APC protein (p.Met2491Ile). This variant is not present in population databases (gnomAD no frequency). This variant has not been reported in the literature in individuals affected with APC-related conditions. Invitae Evidence Modeling of protein sequence and biophysical properties (such as structural, functional, and spatial information, amino acid conservation, physicochemical variation, residue mobility, and thermodynamic stability) indicates that this missense variant is not expected to disrupt APC protein function with a negative predictive value of 95%. In summary, the available evidence is currently insufficient to determine the role of this variant in disease. Therefore, it has been classified as a Variant of Uncertain Significance.